The following is an entry in ClinVar:

ClinVar aggregate classification (germline): Conflicting classifications of pathogenicity. Review status: criteria provided, conflicting classifications (1 of 4 stars). 3 submissions from 3 submitters: Uncertain significance (1); Benign (1); Likely benign (1). Last evaluated 2026-07-28.

Conditions:
Lung cancer. Also called: Malignant tumor of lung; Lung cancer, somatic. Identifiers: MedGen C0242379, MONDO:0008903, OMIM 211980.
EGFR-related lung cancer (EGFR). Identifiers: MedGen CN130014.
Hereditary cancer-predisposing syndrome. Also called: Tumor predisposition; Hereditary Cancer Syndrome; Hereditary neoplastic syndrome; Neoplastic Syndromes, Hereditary. Identifiers: Orphanet 140162, MedGen C0027672, MeSH D009386, MONDO:0015356.

Submissions (3):

Ambry Genetics
Classification: Uncertain significance for Hereditary cancer-predisposing syndrome. Last evaluated: 2026-07-28. Review status: criteria provided, single submitter. Criteria: Ambry Variant Classification Scheme 2023. Collection method: clinical testing. Allele origin: germline.
Comment: The c.2463C>A variant (also known as p.I821I), located in coding exon 20 of the EGFR gene, results from a C to A substitution at nucleotide position 2463. This nucleotide substitution does not change the isoleucine at codon 821. This nucleotide position is poorly conserved in available vertebrate species. In silico splice site analysis for this alteration is inconclusive. Based on the available evidence, the clinical significance of this variant remains unclear.

Labcorp Genetics (formerly Invitae), Labcorp
Classification: Likely benign for EGFR-related lung cancer. Last evaluated: 2025-09-11. Review status: criteria provided, single submitter. Criteria: Invitae Variant Classification Sherloc (09022015). Collection method: clinical testing. Allele origin: germline.

Myriad Genetics, Inc.
Classification: Benign for Lung cancer. Last evaluated: 2024-10-16. Review status: criteria provided, single submitter. Criteria: Myriad Autosomal Dominant, Autosomal Recessive and X-Linked Classification Criteria (2023). Collection method: clinical testing. Allele origin: unknown.
Comment: This variant is considered benign. This variant is a silent/synonymous amino acid change and it is not expected to impact splicing.

NM_005228.5(EGFR):c.2463C>A (p.Ile821=)

Genes: EGFR (epidermal growth factor receptor; plus strand), EGFR-AS1 (EGFR antisense RNA 1; minus strand). Cytogenetic location: 7p11.2.
Variant type: single nucleotide variant.
Coding change: c.2463C>A on transcript NM_005228.5 (MANE Select); coding-DNA position 2463, C replaced by A.
Protein change: p.Ile821=; no amino-acid change (isoleucine 821 retained).
Molecular consequence: synonymous variant. On other transcripts: non-coding transcript variant (1).
Genome position (GRCh38, 1-based): chr7:55,181,472, C>A. VCF-style: chr7-55181472-C-A. GRCh37 (hg19) VCF-style: chr7-55249165-C-A.
Other names: c.2328C>A, p.Ile776= (NM_001346897.2, NM_001346899.2); c.2463C>A, p.Ile821= (NM_001346898.2); c.2304C>A, p.Ile768= (NM_001346900.2); c.1662C>A, p.Ile554= (NM_001346941.2).
Identifiers: ClinVar variation 2191764 (VCV002191764.6), dbSNP rs367859869, ClinGen allele CA455165291.